The following is an entry in ClinVar:

ClinVar aggregate classification (germline): Uncertain significance (1 of 4 stars; one submission).

Submission:

GeneDx
Classification: Uncertain significance. Last evaluated: 2024-11-12. Review status: criteria provided, single submitter. Criteria: GeneDx Variant Classification Process June 2021. Collection method: clinical testing. Allele origin: germline. Affected: yes.
Comment: Not observed at significant frequency in large population cohorts (gnomAD); In silico analysis indicates that this missense variant does not alter protein structure/function; Has not been previously published as pathogenic or benign to our knowledge

NM_002775.5(HTRA1):c.196G>C (p.Glu66Gln)

Gene: HTRA1 (HtrA serine peptidase 1; plus strand). Cytogenetic location: 10q26.13.
Variant type: single nucleotide variant.
Coding change: c.196G>C on transcript NM_002775.5 (MANE Select); coding-DNA position 196, G replaced by C.
Protein change: p.Glu66Gln; replaces glutamic acid 66 with glutamine.
Molecular consequence: missense variant.
Genome position (GRCh38, 1-based): chr10:122,461,848, G>C. VCF-style: chr10-122461848-G-C. GRCh37 (hg19) VCF-style: chr10-124221364-G-C.
Other names: short protein forms E66Q.
Identifiers: ClinVar variation 3898980 (VCV003898980.1).